The following is an entry in ClinVar:

NM_001999.4(FBN2):c.953-18_953-16del

Gene: FBN2 (fibrillin 2; minus strand). Cytogenetic location: 5q23.3.
Variant type: Deletion.
Coding change: c.953-18_953-16del on transcript NM_001999.4 (MANE Select); 18 bases into the intron before coding-DNA position 953 through 16 bases into the intron before coding-DNA position 953, 3 bases deleted (CCT; older notation c.953-18_953-16delCCT).
Molecular consequence: intron variant.
Genome position (GRCh38, 1-based): chr5:128,408,815-128,408,817, AGG deleted on the plus strand (CCT on the coding strand, the reverse complement: FBN2 is on the minus strand); deleting any 3 consecutive bases within chr5:128,408,815-128,408,819 gives the same sequence; the c. name uses the placement nearest the transcript's 3' end. VCF-style (leftmost placement, unchanged base first): chr5-128408814-AAGG-A. GRCh37 (hg19) VCF-style: chr5-127744507-AAGG-A.
Other names: c.953-18_953-16delCCT (NM_001999.4).
Identifiers: ClinVar variation 2142505 (VCV002142505.5), dbSNP rs1402974011, ClinGen allele CA562704101.

ClinVar aggregate classification (germline): Likely benign. Review status: criteria provided, multiple submitters, no conflicts (2 of 4 stars). 2 submissions from 2 submitters: Likely benign (2). Last evaluated 2026-05-15.

Conditions:
Congenital contractural arachnodactyly (CCA). Also called: BEALS SYNDROME; Beals-Hecht syndrome; Arthrogryposis, distal, type 9. Identifiers: Orphanet 115, MedGen C0220668, MONDO:0007363, OMIM 121050.

Submissions (2):

Women's Health and Genetics/Laboratory Corporation of America, LabCorp
Classification: Likely benign. Last evaluated: 2026-05-15. Review status: criteria provided, single submitter. Criteria: LabCorp Variant Classification Summary - May 2015. Collection method: clinical testing. Allele origin: germline.
Comment: Variant summary: FBN2 c.953-18_953-16delCCT alters a nucleotide located at a position not widely known to affect splicing. Consensus agreement among computation tools predict no significant impact on normal splicing. However, these predictions have yet to be confirmed by functional studies. The variant allele was found at a frequency of 4e-06 in 250860 control chromosomes. The available data on variant occurrences in the general population are insufficient to allow any conclusion about variant significance. To our knowledge, no occurrence of c.953-18_953-16delCCT in individuals affected with FBN2-related conditions and no experimental evidence demonstrating its impact on protein function have been reported. ClinVar contains an entry for this variant (Variation ID: 2142505). Based on the evidence outlined above, the variant was classified as likely benign.

Labcorp Genetics (formerly Invitae), Labcorp
Classification: Likely benign for Congenital contractural arachnodactyly. Last evaluated: 2024-06-21. Review status: criteria provided, single submitter. Criteria: Invitae Variant Classification Sherloc (09022015). Collection method: clinical testing. Allele origin: germline.